The following is an entry in ClinVar:

ClinVar aggregate classification (germline): Pathogenic/Likely pathogenic. Review status: criteria provided, multiple submitters, no conflicts (2 of 4 stars). 6 submissions from 6 submitters: Pathogenic (3); Likely pathogenic (2). 1 of the submissions does not count toward it. Last evaluated 2026-01-17.

Conditions:
Leber congenital amaurosis 6 (LCA6). Identifiers: Orphanet 65, MedGen C1854260, MONDO:0013446, OMIM 613826.
Cone-rod dystrophy 13 (CORD13). Identifiers: Orphanet 1872, MedGen C2750720, MONDO:0011987, OMIM 608194.
Leber congenital amaurosis (LCA). Also called: Leber's amaurosis. Identifiers: Orphanet 65, MedGen C0339527, MeSH D057130, MONDO:0018998.
Abnormality of the eye. Identifiers: MedGen C4316870, HP:0000478.

Allele frequency attached by ClinVar (database versions not stated): gnomAD 0.00002 and 0.00003; TOPMed 0.00003; 1000 Genomes Project 0.00020; 1000 Genomes Project 30x 0.00031.
gnomAD v4.1: 32 of 1,613,528 alleles (0.002%); highest among the groups gnomAD compares: South Asian, 0.0077%; no homozygotes.

Submissions (6):

Labcorp Genetics (formerly Invitae), Labcorp
Classification: Pathogenic for Leber congenital amaurosis 6; Cone-rod dystrophy 13. Last evaluated: 2026-01-17. Review status: criteria provided, single submitter. Criteria: Invitae Variant Classification Sherloc (09022015). Collection method: clinical testing. Allele origin: germline.
Comment: This sequence change replaces glutamic acid, which is acidic and polar, with lysine, which is basic and polar, at codon 800 of the RPGRIP1 protein (p.Glu800Lys). This variant is present in population databases (rs565837539, gnomAD 0.01%). This missense change has been observed in individual(s) with clinical features of inherited retinal dystrophy (PMID: 24123792, 26047050, 27422788; internal data). In at least one individual the data is consistent with being in trans (on the opposite chromosome) from a pathogenic variant. ClinVar contains an entry for this variant (Variation ID: 438161). Invitae Evidence Modeling of protein sequence and biophysical properties (such as structural, functional, and spatial information, amino acid conservation, physicochemical variation, residue mobility, and thermodynamic stability) has been performed for this missense variant. However, the output from this modeling did not meet the statistical confidence thresholds required to predict the impact of this variant on RPGRIP1 protein function. For these reasons, this variant has been classified as Pathogenic.

First Genomix Gene Laboratory, Genetic Diagnostics Department
Classification: Likely pathogenic for Cone-rod dystrophy 13; Leber congenital amaurosis 6. Last evaluated: 2025-05-23. Review status: criteria provided, single submitter. Criteria: ACMG Guidelines, 2015. Collection method: clinical testing. Allele origin: germline. Inheritance: Autosomal recessive inheritance. Affected: no. Observed: 1 variant allele.

Dasa
Classification: Likely pathogenic. Last evaluated: 2024-11-05. Review status: criteria provided, single submitter. Criteria: DASA Assertion Criteria. Collection method: clinical testing. Allele origin: germline.
Comment: NM_020366.4(RPGRIP1):c.2398G>A (p.Glu800Lys) is a missense variant that results in the substitution of glutamic acid with lysine. This variant has been reported in individuals with RPGRIP1-related disorders (PMID: 32581362). Also, this variant is rare in population databases. Computational evidence supports a deleterious effect. Based on the currently available evidence, this variant is classified as likely pathogenic.

Fulgent Genetics
Classification: Pathogenic for Cone-rod dystrophy 13; Leber congenital amaurosis 6. Last evaluated: 2024-04-17. Review status: criteria provided, single submitter. Criteria: ACMG Guidelines, 2015. Collection method: clinical testing. Allele origin: germline.

Women's Health and Genetics/Laboratory Corporation of America, LabCorp
Classification: Pathogenic for Leber congenital amaurosis. Last evaluated: 2024-04-08. Review status: criteria provided, single submitter. Criteria: LabCorp Variant Classification Summary - May 2015. Collection method: clinical testing. Allele origin: germline.
Comment: Variant summary: RPGRIP1 c.2398G>A (p.Glu800Lys) results in a conservative amino acid change located in the C2 domain (IPR000008) of the encoded protein sequence. Three of five in-silico tools predict a damaging effect of the variant on protein function. The variant allele was found at a frequency of 1.6e-05 in 247938 control chromosomes. c.2398G>A has been reported in the literature in compound heterozygous and homozygous individuals affected with inherited retinal disease, including Leber Congenital Amaurosis and Retinitis Pigmentosa (e.g. Neveling_2013, Wang_2015, Turro_2020, Panneman_2023). These data indicate that the variant is very likely to be associated with disease. To our knowledge, no experimental evidence demonstrating an impact on protein function has been reported. The following publications have been ascertained in the context of this evaluation (PMID: 32581362, 26047050, 24123792, 27422788, 36819107). ClinVar contains an entry for this variant (Variation ID: 438161). Based on the evidence outlined above, the variant was classified as pathogenic.

NIHR Bioresource Rare Diseases, University of Cambridge
Classification: Likely pathogenic for Disorder of eye. Last evaluated: 2015-01-01. Review status: no assertion criteria provided. Collection method: research. Allele origin: unknown. Affected: yes. Observed: 1 variant allele. Not counted in ClinVar's aggregate classification.
Comment: Rare ocular disorder associated to additional undetermined phenotypes

Literature cited by the submitters: PubMed 24123792 (cited by 3 submitters); PubMed 26047050 (cited by Labcorp Genetics (formerly Invitae), Labcorp and Women's Health and Genetics/Laboratory Corporation of America, LabCorp); PubMed 27422788 (cited by Labcorp Genetics (formerly Invitae), Labcorp and Women's Health and Genetics/Laboratory Corporation of America, LabCorp); PubMed 32581362 (cited by Dasa and Women's Health and Genetics/Laboratory Corporation of America, LabCorp); PubMed 36819107 (cited by Women's Health and Genetics/Laboratory Corporation of America, LabCorp); PubMed 28041643 (cited by NIHR Bioresource Rare Diseases, University of Cambridge).

NM_020366.4(RPGRIP1):c.2398G>A (p.Glu800Lys)

Gene: RPGRIP1 (RPGR interacting protein 1; plus strand). Cytogenetic location: 14q11.2.
Variant type: single nucleotide variant.
Coding change: c.2398G>A on transcript NM_020366.4 (MANE Select); coding-DNA position 2398, G replaced by A.
Protein change: p.Glu800Lys; replaces glutamic acid 800 with lysine.
Molecular consequence: missense variant. On other transcripts: intron variant (4).
Genome position (GRCh38, 1-based): chr14:21,325,861, G>A. VCF-style: chr14-21325861-G-A. GRCh37 (hg19) VCF-style: chr14-21794020-G-A.
Other names: c.1324G>A, p.Glu442Lys (NM_001377948.1); c.796+1136G>A (NM_001377949.1); c.689-1762G>A (NM_001377523.1, NM_001377950.1); c.191-1762G>A (NM_001377951.1); short protein forms E800K, E442K.
Identifiers: ClinVar variation 438161 (VCV000438161.17), dbSNP rs565837539, ClinGen allele CA7089253.